The following is an entry in ClinVar:

ClinVar aggregate classification (germline): Likely benign (0 of 4 stars; one submission).

Conditions:
FYCO1-related disorder. Also called: FYCO1-related condition.

Allele frequency attached by ClinVar (database versions not stated): gnomAD exomes below 0.00001; TOPMed below 0.00001.

Submission:

PreventionGenetics, part of Exact Sciences
Classification: Likely benign for FYCO1-related condition. Last evaluated: 2019-07-15. Review status: no assertion criteria provided. Collection method: clinical testing. Allele origin: germline.
Comment: This variant is classified as likely benign based on ACMG/AMP sequence variant interpretation guidelines (Richards et al. 2015 PMID: 25741868, with internal and published modifications).

NM_024513.4(FYCO1):c.1602G>A (p.Glu534=)

Gene: FYCO1 (FYVE and coiled-coil domain autophagy adaptor 1; minus strand). Cytogenetic location: 3p21.31.
Variant type: single nucleotide variant.
Coding change: c.1602G>A on transcript NM_024513.4 (MANE Select); coding-DNA position 1602, G replaced by A.
Protein change: p.Glu534=; no amino-acid change (glutamic acid 534 retained).
Molecular consequence: synonymous variant. On other transcripts: non-coding transcript variant (1).
Genome position (GRCh38, 1-based): chr3:45,967,732, C>T on the plus strand (G>A on the coding strand, the complement: FYCO1 is on the minus strand). VCF-style: chr3-45967732-C-T. GRCh37 (hg19) VCF-style: chr3-46009224-C-T.
Other names: c.1602G>A, p.Glu534= (NM_001386421.1, NM_001386422.1, NM_001386423.1 and 4 more transcripts); c.1482G>A, p.Glu494= (NM_001386426.1); c.1458G>A, p.Glu486= (NM_001386427.1); c.1002G>A, p.Glu334= (NM_001386430.1).
Identifiers: ClinVar variation 3050432 (VCV003050432.2), dbSNP rs1045999998, ClinGen allele CA73684159.